The following is an entry in ClinVar:

NM_001365951.3(KIF1B):c.165C>T (p.Ser55=)

Gene: KIF1B (kinesin family member 1B; plus strand). Cytogenetic location: 1p36.22.
Variant type: single nucleotide variant.
Coding change: c.165C>T on transcript NM_001365951.3 (MANE Select); coding-DNA position 165, C replaced by T.
Protein change: p.Ser55=; no amino-acid change (serine 55 retained).
Molecular consequence: synonymous variant.
Genome position (GRCh38, 1-based): chr1:10,256,305, C>T. VCF-style: chr1-10256305-C-T. GRCh37 (hg19) VCF-style: chr1-10316363-C-T.
Other names: c.165C>T, p.Ser55= (NM_001365952.1, NM_001365953.1, NM_015074.3 and 1 more transcripts).
Identifiers: ClinVar variation 1105809 (VCV001105809.25), dbSNP rs1277944646, ClinGen allele CA415879186.

ClinVar aggregate classification (germline): Likely benign. Review status: criteria provided, multiple submitters, no conflicts (2 of 4 stars). 3 submissions from 3 submitters: Likely benign (3). Last evaluated 2024-11-01.

Conditions:
Charcot-Marie-Tooth disease type 2. Also called: Charcot-Marie-Tooth type 2. Identifiers: Orphanet 64746, MedGen C0270914, MONDO:0018993.

Allele frequency attached by ClinVar (database versions not stated): TOPMed below 0.00001; gnomAD 0.00001.
gnomAD v4.1: 1 of 1,610,496 alleles (0.000062%); highest among the groups gnomAD compares: Non-Finnish European, 0.000085%; no homozygotes.

Submissions (3):

CeGaT Center for Human Genetics Tuebingen
Classification: Likely benign. Last evaluated: 2024-11-01. Review status: criteria provided, single submitter. Criteria: CeGaT Center For Human Genetics Tuebingen Variant Classification Criteria Version 2. Collection method: clinical testing. Allele origin: germline. Affected: yes. Observed: 1 variant allele.
Comment: KIF1B: BP4, BP7

Ambry Genetics
Classification: Likely benign. Last evaluated: 2022-05-26. Review status: criteria provided, single submitter. Criteria: Ambry Variant Classification Scheme 2023. Collection method: clinical testing. Allele origin: germline.

Labcorp Genetics (formerly Invitae), Labcorp
Classification: Likely benign for Charcot-Marie-Tooth disease type 2. Last evaluated: 2020-01-02. Review status: criteria provided, single submitter. Criteria: Invitae Variant Classification Sherloc (09022015). Collection method: clinical testing. Allele origin: germline.